The following is an entry in ClinVar:

ClinVar aggregate classification (germline): Uncertain significance (1 of 4 stars; one submission).

Submission:

GeneDx
Classification: Uncertain significance. Last evaluated: 2024-12-31. Review status: criteria provided, single submitter. Criteria: GeneDx Variant Classification Process June 2021. Collection method: clinical testing. Allele origin: germline. Affected: yes.
Comment: Not observed at significant frequency in large population cohorts (gnomAD); In silico analysis supports that this missense variant has a deleterious effect on protein structure/function; Has not been previously published as pathogenic or benign to our knowledge

NM_001395159.1(UNC79):c.1755G>C (p.Arg585Ser)

Gene: UNC79 (unc-79 homolog, NALCN channel complex subunit; plus strand). Cytogenetic location: 14q32.12.
Variant type: single nucleotide variant.
Coding change: c.1755G>C on transcript NM_001395159.1 (MANE Select); coding-DNA position 1755, G replaced by C.
Protein change: p.Arg585Ser; replaces arginine 585 with serine.
Molecular consequence: missense variant.
Genome position (GRCh38, 1-based): chr14:93,542,696, G>C. VCF-style: chr14-93542696-G-C. GRCh37 (hg19) VCF-style: chr14-94009042-G-C.
Other names: c.1755G>C, p.Arg585Ser (NM_001346218.2); c.1224G>C, p.Arg408Ser (NM_020818.5); short protein forms R408S, R585S.
Identifiers: ClinVar variation 3907733 (VCV003907733.1).
Genomic context (GRCh38, chr14:93,542,696, plus strand): 5'-TGATGTTCGCTTCGATGTCATGGTCATGTGCCTTCTTCCTAAACCCATGGAATTTGCCAG[G>C]GTAAGTGGAGGCCTACAGCTCACACCTTGTTAGAGAGGAGGACTTGGGGAGAAGTGCTGC-3'
Protein context (NP_001382088.1, residues 575-595): CLLPKPMEFA[Arg585Ser]VGGYWDKSCS